The following is an entry in ClinVar:

ClinVar aggregate classification (germline): Uncertain significance (1 of 4 stars; one submission).

gnomAD v4.1: 1 of 1,614,144 alleles (0.000062%); highest among the groups gnomAD compares: African/African-American, 0.0013%; no homozygotes.

Submission:

Ambry Genetics
Classification: Uncertain significance. Last evaluated: 2024-12-06. Review status: criteria provided, single submitter. Criteria: Ambry Variant Classification Scheme 2023. Collection method: clinical testing. Allele origin: germline.
Comment: The p.K219M variant (also known as c.656A>T), located in coding exon 1 of the MLH3 gene, results from an A to T substitution at nucleotide position 656. The lysine at codon 219 is replaced by methionine, an amino acid with similar properties. This amino acid position is conserved. In addition, the in silico prediction for this alteration is inconclusive. Since supporting evidence is limited at this time, the clinical significance of this alteration remains unclear.

NM_001040108.2(MLH3):c.656A>T (p.Lys219Met)

Gene: MLH3 (mutL homolog 3; minus strand). Cytogenetic location: 14q24.3.
Variant type: single nucleotide variant.
Coding change: c.656A>T on transcript NM_001040108.2 (MANE Select); coding-DNA position 656, A replaced by T.
Protein change: p.Lys219Met; replaces lysine 219 with methionine.
Molecular consequence: missense variant.
Genome position (GRCh38, 1-based): chr14:75,049,000, T>A on the plus strand (A>T on the coding strand, the complement: MLH3 is on the minus strand). VCF-style: chr14-75049000-T-A. GRCh37 (hg19) VCF-style: chr14-75515703-T-A.
Other names: c.656A>T, p.Lys219Met (NM_014381.3); short protein forms K219M.
Identifiers: ClinVar variation 1754223 (VCV001754223.3), dbSNP rs2503321017, ClinGen allele CA390449684.